The following is an entry in ClinVar:

NM_002878.4(RAD51D):c.292T>A (p.Tyr98Asn)

Genes: RAD51L3-RFFL (RAD51L3-RFFL readthrough; minus strand), RAD51D (RAD51 paralog D; minus strand). Cytogenetic location: 17q12.
Variant type: single nucleotide variant.
Coding change: c.292T>A on transcript NM_002878.4 (MANE Select); coding-DNA position 292, T replaced by A.
Protein change: p.Tyr98Asn; replaces tyrosine 98 with asparagine.
Molecular consequence: missense variant. On other transcripts: non-coding transcript variant (2), intron variant (1).
Genome position (GRCh38, 1-based): chr17:35,107,419, A>T on the plus strand (T>A on the coding strand, the complement: RAD51D is on the minus strand). VCF-style: chr17-35107419-A-T. GRCh37 (hg19) VCF-style: chr17-33434438-A-T.
Other names: p.Y98N:TAT>AAT; c.352T>A, p.Tyr118Asn (NM_001142571.2); c.145-938T>A (NM_133629.3); short protein forms Y98N, Y118N.
Identifiers: ClinVar variation 182855 (VCV000182855.23), dbSNP rs730881946, ClinGen allele CA299923.

ClinVar aggregate classification (germline): Uncertain significance. Review status: criteria provided, multiple submitters, no conflicts (2 of 4 stars). 7 submissions from 7 submitters: Uncertain significance (7). Last evaluated 2025-12-19.

Conditions:
Hereditary cancer-predisposing syndrome. Also called: Tumor predisposition; Hereditary Cancer Syndrome; Hereditary neoplastic syndrome; Neoplastic Syndromes, Hereditary. Identifiers: Orphanet 140162, MedGen C0027672, MeSH D009386, MONDO:0015356.
Breast-ovarian cancer, familial, susceptibility to, 4. Identifiers: Orphanet 145, MedGen C3280345, MONDO:0013669, OMIM 614291.

Allele frequency attached by ClinVar (database versions not stated): gnomAD exomes below 0.00001; gnomAD 0.00001; TOPMed 0.00002.
gnomAD v4.1: 2 of 1,562,132 alleles (0.00013%); highest among the groups gnomAD compares: African/African-American, 0.0027%; no homozygotes.

Submissions (7):

Labcorp Genetics (formerly Invitae), Labcorp
Classification: Uncertain significance for Breast-ovarian cancer, familial, susceptibility to, 4. Last evaluated: 2025-12-19. Review status: criteria provided, single submitter. Criteria: Invitae Variant Classification Sherloc (09022015). Collection method: clinical testing. Allele origin: germline.
Comment: This sequence change replaces tyrosine, which is neutral and polar, with asparagine, which is neutral and polar, at codon 98 of the RAD51D protein (p.Tyr98Asn). This variant is present in population databases (rs730881946, gnomAD 0.007%). This variant has not been reported in the literature in individuals affected with RAD51D-related conditions. ClinVar contains an entry for this variant (Variation ID: 182855). Invitae Evidence Modeling of protein sequence and biophysical properties (such as structural, functional, and spatial information, amino acid conservation, physicochemical variation, residue mobility, and thermodynamic stability) indicates that this missense variant is expected to disrupt RAD51D protein function with a positive predictive value of 80%. In summary, the available evidence is currently insufficient to determine the role of this variant in disease. Therefore, it has been classified as a Variant of Uncertain Significance.

Ambry Genetics
Classification: Uncertain significance for Hereditary cancer-predisposing syndrome. Last evaluated: 2025-01-30. Review status: criteria provided, single submitter. Criteria: Ambry Variant Classification Scheme 2023. Collection method: clinical testing. Allele origin: germline.
Comment: The p.Y98N variant (also known as c.292T>A), located in coding exon 4 of the RAD51D gene, results from a T to A substitution at nucleotide position 292. The tyrosine at codon 98 is replaced by asparagine, an amino acid with dissimilar properties. This amino acid position is highly conserved in available vertebrate species. In addition, this alteration is predicted to be deleterious by in silico analysis. Since supporting evidence is limited at this time, the clinical significance of this alteration remains unclear.

Fulgent Genetics
Classification: Uncertain significance for Breast-ovarian cancer, familial, susceptibility to, 4. Last evaluated: 2024-03-26. Review status: criteria provided, single submitter. Criteria: ACMG Guidelines, 2015. Collection method: clinical testing. Allele origin: germline.

Baylor Genetics
Classification: Uncertain significance for Breast-ovarian cancer, familial, susceptibility to, 4. Last evaluated: 2023-10-24. Review status: criteria provided, single submitter. Criteria: ACMG Guidelines, 2015. Collection method: clinical testing. Allele origin: unknown.

GeneDx
Classification: Uncertain significance. Last evaluated: 2022-10-06. Review status: criteria provided, single submitter. Criteria: GeneDx Variant Classification Process June 2021. Collection method: clinical testing. Allele origin: germline. Affected: yes.
Comment: Not observed at significant frequency in large population cohorts (gnomAD); In silico analysis supports that this missense variant has a deleterious effect on protein structure/function; Has not been previously published as pathogenic or benign to our knowledge; This variant is associated with the following publications: (PMID: 21111057, 14704354)

Color Diagnostics, LLC DBA Color Health
Classification: Uncertain significance for Hereditary cancer-predisposing syndrome. Last evaluated: 2019-04-03. Review status: criteria provided, single submitter. Criteria: ACMG Guidelines, 2015. Collection method: clinical testing. Allele origin: germline.

Women's Health and Genetics/Laboratory Corporation of America, LabCorp
Classification: Uncertain significance. Last evaluated: 2017-12-04. Review status: criteria provided, single submitter. Criteria: LabCorp Variant Classification Summary - May 2015. Collection method: clinical testing. Allele origin: germline.
Comment: Variant summary: The RAD51D c.292T>A (p.Tyr98Asn) variant involves the alteration of a conserved nucleotide. 4/4 in silico tools predict a damaging outcome for this variant (SNPsandGO not captured due to low reliability index). This variant was found in 1/246174 control chromosomes at a frequency of 0.0000041, which does not exceed the estimated maximal expected allele frequency of a pathogenic RAD51D variant (0.000125). In addition, multiple clinical diagnostic laboratories/reputable databases classified this variant as uncertain significance. The variant of interest has not, to our knowledge, been reported in affected individuals via publications, nor evaluated for functional impact by in vivo/vitro studies. Because of the absence of clinical information and the lack of functional studies, the variant is classified as a variant of uncertain significance (VUS) until additional information becomes available.